The following is an entry in ClinVar:

NM_000059.4(BRCA2):c.4377C>G (p.Asn1459Lys)

Gene: BRCA2 (BRCA2 DNA repair associated; plus strand). Cytogenetic location: 13q13.1.
Variant type: single nucleotide variant.
Coding change: c.4377C>G on transcript NM_000059.4 (MANE Select); coding-DNA position 4377, C replaced by G.
Protein change: p.Asn1459Lys; replaces asparagine 1459 with lysine.
Molecular consequence: missense variant.
Genome position (GRCh38, 1-based): chr13:32,338,732, C>G. VCF-style: chr13-32338732-C-G. GRCh37 (hg19) VCF-style: chr13-32912869-C-G.
Other names: short protein forms N1459K.
Identifiers: ClinVar variation 51637 (VCV000051637.7), dbSNP rs80358673, ClinGen allele CA020067.
Genomic context (GRCh38, chr13:32,338,732, plus strand): 5'-CAAAGAGTCATTTAATAAAATTGTAAATTTCTTTGATCAGAAACCAGAAGAATTGCATAA[C>G]TTTTCCTTAAATTCTGAATTACATTCTGACATAAGAAAGAACAAAATGGACATTCTAAGT-3'
Protein context (NP_000050.3, residues 1449-1469): FFDQKPEELH[Asn1459Lys]FSLNSELHSD

ClinVar aggregate classification (germline): Conflicting classifications of pathogenicity. Review status: criteria provided, conflicting classifications (1 of 4 stars). 5 submissions from 5 submitters: Uncertain significance (3); Likely benign (1). 1 of the submissions does not count toward it. Last evaluated 2025-05-27.

Conditions:
Hereditary cancer-predisposing syndrome. Also called: Neoplastic Syndromes, Hereditary; Tumor predisposition; Hereditary Cancer Syndrome; Hereditary neoplastic syndrome. Identifiers: Orphanet 140162, MedGen C0027672, MeSH D009386, MONDO:0015356.
Breast-ovarian cancer, familial, susceptibility to, 2 (BROVCA2). Also called: BRCA2 Hereditary Breast and Ovarian Cancer. Identifiers: Orphanet 145, MedGen C2675520, MONDO:0012933, OMIM 612555. Disease mechanism: loss of function.

Allele frequency attached by ClinVar (database versions not stated): gnomAD exomes below 0.00001.
gnomAD v4.1: 1 of 1,600,140 alleles (0.000062%); highest among the groups gnomAD compares: African/African-American, 0.0013%; no homozygotes.

Submissions (5):

Ambry Genetics
Classification: Uncertain significance for Hereditary cancer-predisposing syndrome. Last evaluated: 2025-05-27. Review status: criteria provided, single submitter. Criteria: Ambry Variant Classification Scheme 2023. Collection method: clinical testing. Allele origin: germline.
Comment: The p.N1459K variant (also known as c.4377C>G), located in coding exon 10 of the BRCA2 gene, results from a C to G substitution at nucleotide position 4377. The asparagine at codon 1459 is replaced by lysine, an amino acid with similar properties. This amino acid position is conserved. In addition, this alteration is predicted to be tolerated by in silico analysis. Based on the available evidence, the clinical significance of this variant remains unclear.

University of Washington Department of Laboratory Medicine, University of Washington
Classification: Likely benign for Hereditary cancer-predisposing syndrome. Last evaluated: 2023-03-23. Review status: criteria provided, single submitter. Criteria: Dines et al. (Genet Med. 2020). Collection method: curation. Allele origin: germline.
Comment: Missense variant in a coldspot region where missense variants are very unlikely to be pathogenic (PMID:31911673).

BRCA2 exon 11 coldspot. Reclassification based on statistical prior probability.

Women's Health and Genetics/Laboratory Corporation of America, LabCorp
Classification: Uncertain significance. Last evaluated: 2018-11-16. Review status: criteria provided, single submitter. Criteria: LabCorp Variant Classification Summary - May 2015. Collection method: clinical testing. Allele origin: germline.
Comment: Variant summary: BRCA2 c.4377C>G (p.Asn1459Lys) results in a non-conservative amino acid change in the encoded protein sequence. Three of five in-silico tools predict a benign effect of the variant on protein function. The variant was absent in 271714 control chromosomes. The available data on variant occurrences in the general population are insufficient to allow any conclusion about variant significance. To our knowledge, no occurrence of c.4377C>G in individuals affected with Hereditary Breast and Ovarian Cancer and no experimental evidence demonstrating its impact on protein function have been reported. One clinical diagnostic laboratory has submitted clinical-significance assessments for this variant to ClinVar after 2014 without evidence for independent evaluation and classified the variant as uncertain significance. Based on the evidence outlined above, the variant was classified as uncertain significance.

GeneDx
Classification: Uncertain significance. Last evaluated: 2016-09-19. Review status: criteria provided, single submitter. Criteria: GeneDx Variant Classification (06012015). Collection method: clinical testing. Allele origin: germline. Affected: yes.
Comment: This variant is denoted BRCA2 c.4377C>G at the cDNA level, p.Asn1459Lys (N1459K) at the protein level, and results in the change of an Asparagine to a Lysine (AAC>AAG). Using alternate nomenclature, this variant would be defined as BRCA2 4605C>G. This variant has not, to our knowledge, been published in the literature as pathogenic or benign. BRCA2 Asn1459Lys was not observed in approximately 6,500 individuals of European and African American ancestry in the NHLBI Exome Sequencing Project, suggesting it is not a common benign variant in these populations. Since Asparagine and Lysine differ in some properties, this is considered a semi-conservative amino acid substitution. BRCA2 Asn1459Lys occurs at a position that is not conserved and is located in the RAD51 and POLH binding domains (Roy 2012, Buisson 2014). In silico analyses are inconsistent regarding the effect this variant may have on protein structure and function. Based on currently available evidence, it is unclear whether BRCA2 Asn1459Lys is a pathogenic or benign variant. We consider it to be a variant of uncertain significance.

Breast Cancer Information Core (BIC) (BRCA2)
Classification: Uncertain significance for Breast-ovarian cancer, familial 2. Last evaluated: 2004-02-20. Review status: no assertion criteria provided. Collection method: clinical testing. Allele origin: germline. Affected: yes. Observed: 1 variant allele. Not counted in ClinVar's aggregate classification.